The following is an entry in ClinVar:

NM_001005273.3(CHD3):c.2975A>G (p.Gln992Arg)

Gene: CHD3 (chromodomain helicase DNA binding protein 3; plus strand). Cytogenetic location: 17p13.1.
Variant type: single nucleotide variant.
Coding change: c.2975A>G on transcript NM_001005273.3 (MANE Select); coding-DNA position 2975, A replaced by G.
Protein change: p.Gln992Arg; replaces glutamine 992 with arginine.
Molecular consequence: missense variant.
Genome position (GRCh38, 1-based): chr17:7,900,728, A>G. VCF-style: chr17-7900728-A-G. GRCh37 (hg19) VCF-style: chr17-7804046-A-G.
Other names: c.3152A>G, p.Gln1051Arg (NM_001005271.3); c.2975A>G, p.Gln992Arg (NM_005852.4); short protein forms Q1051R, Q992R.
Identifiers: ClinVar variation 1709558 (VCV001709558.3), dbSNP rs2544954683, ClinGen allele CA397940776.
Genomic context (GRCh38, chr17:7,900,728, plus strand): 5'-TCTTTAAGAACATGCCAGCCAAGACAGAGCTCATCGTTCGGGTGGAGCTAAGCCCCATGC[A>G]GAAGTAAGATGCAAGACGAGCTGCCTGGAGTAGGGCTTGGGGATTGATGGGAGCGTTCCA-3'
Protein context (NP_001005273.1, residues 982-1002): LIVRVELSPM[Gln992Arg]KKYYKYILTR

ClinVar aggregate classification (germline): Likely pathogenic. Review status: criteria provided, multiple submitters, no conflicts (2 of 4 stars). 3 submissions from 3 submitters: Likely pathogenic (3). Last evaluated 2023-11-10.

Conditions:
Snijders Blok-Campeau syndrome. Also called: INTELLECTUAL DEVELOPMENTAL DISORDER WITH MACROCEPHALY, SPEECH DELAY, AND DYSMORPHIC FACIES. Identifiers: Orphanet 599082, MedGen C4748701, MONDO:0032600, OMIM 618205.

Submissions (3):

3billion
Classification: Likely pathogenic for Snijders Blok-Campeau syndrome. Last evaluated: 2023-11-10. Review status: criteria provided, single submitter. Criteria: ACMG Guidelines, 2015. Collection method: clinical testing. Allele origin: germline. Affected: yes.
Comment: The variant is not observed in the gnomAD v2.1.1 dataset. Predicted Consequence/Location: Missense changes are a common disease-causing mechanism. In silico tool predictions suggest damaging effect of the variant on gene or gene product [REVEL: 0.92 (>=0.6, sensitivity 0.68 and specificity 0.92); 3Cnet: 0.95 (>=0.6, sensitivity 0.72 and precision 0.9)]. Same nucleotide change resulting in same amino acid change has been previously reported as pathogenic/likely pathogenic with strong evidence (ClinVar ID: VCV001709558). Therefore, this variant is classified as Likely pathogenic according to the recommendation of ACMG/AMP guideline.

Greenwood Genetic Center Diagnostic Laboratories, Greenwood Genetic Center
Classification: Likely pathogenic for Snijders Blok-Campeau syndrome. Last evaluated: 2023-04-19. Review status: criteria provided, single submitter. Criteria: ACMG Guidelines, 2015. Collection method: clinical testing. Allele origin: germline. Affected: yes.
Comment: PM1, PM2, PP2, PP3

MGZ Medical Genetics Center
Classification: Likely pathogenic for Snijders Blok-Campeau syndrome. Last evaluated: 2022-07-19. Review status: criteria provided, single submitter. Criteria: ACMG Guidelines, 2015. Collection method: clinical testing. Allele origin: germline. Affected: yes. Observed: 1 variant allele.
Comment: ACMG criteria applied: PS2, PM2_SUP, PP2, PP3